The following is an entry in ClinVar:

NM_001378418.1(TCF20):c.1565G>A (p.Gly522Asp)

Gene: TCF20 (transcription factor 20; minus strand). Cytogenetic location: 22q13.2.
Variant type: single nucleotide variant.
Coding change: c.1565G>A on transcript NM_001378418.1 (MANE Select); coding-DNA position 1565, G replaced by A.
Protein change: p.Gly522Asp; replaces glycine 522 with aspartic acid.
Molecular consequence: missense variant.
Genome position (GRCh38, 1-based): chr22:42,213,741, C>T on the plus strand (G>A on the coding strand, the complement: TCF20 is on the minus strand). VCF-style: chr22-42213741-C-T. GRCh37 (hg19) VCF-style: chr22-42609747-C-T.
Other names: c.1565G>A, p.Gly522Asp (NM_005650.4, NM_181492.3); short protein forms G522D.
Identifiers: ClinVar variation 3393841 (VCV003393841.1).
Genomic context (GRCh38, chr22:42,213,741, plus strand): 5'-GTGCTCTGGCCACTTAGTTGCCGCACTCTCTCGCCTTGATCCTCTGAACTGCTGGAGCAG[C>T]CTCCATCTAATGACTCTGCCATAGGGGACTTCAGCTGTTCTTCAGGTTGTGAGGAGCCTT-3'
Protein context (NP_001365347.1, residues 512-532): KSPMAESLDG[Gly522Asp]CSSSSEDQGE

ClinVar aggregate classification (germline): Uncertain significance (1 of 4 stars; one submission).

gnomAD v4.1: 1 of 1,614,134 alleles (0.000062%); highest among the groups gnomAD compares: South Asian, 0.0011%; no homozygotes.

Submission:

GeneDx
Classification: Uncertain significance. Last evaluated: 2024-07-02. Review status: criteria provided, single submitter. Criteria: GeneDx Variant Classification Process June 2021. Collection method: clinical testing. Allele origin: germline. Affected: yes.
Comment: Not observed at significant frequency in large population cohorts (gnomAD); In silico analysis indicates that this missense variant does not alter protein structure/function; Has not been previously published as pathogenic or benign to our knowledge